The following is an entry in ClinVar:

NM_001374828.1(ARID1B):c.4395del (p.Pro1464_Tyr1465insTer)

Gene: ARID1B (AT-rich interaction domain 1B; plus strand). Cytogenetic location: 6q25.3.
Variant type: Deletion.
Coding change: c.4395del on transcript NM_001374828.1 (MANE Select); coding-DNA position 4395, one base deleted (T; older notation c.4395delT).
Protein change: p.Pro1464_Tyr1465insTer.
Molecular consequence: nonsense. On other transcripts: frameshift variant (3).
Genome position (GRCh38, 1-based): chr6:157,198,823, T deleted. VCF-style (leftmost placement, unchanged base first): chr6-157198822-AT-A. GRCh37 (hg19) VCF-style: chr6-157519956-AT-A.
Other names: c.4146delT, p.Tyr1382Terfs (NM_001346813.1); c.1896del, p.Pro631_Tyr632insTer (NM_001363725.2); c.4275del, p.Pro1424_Tyr1425insTer (NM_001371656.1, NM_001374820.1); c.4236del, p.Pro1411_Tyr1412insTer (NM_017519.3); c.4026delT, p.Tyr1342Terfs (NM_020732.3); c.3813delT, p.Tyr1271Terfs (NM_175863.2).
Identifiers: ClinVar variation 1805636 (VCV001805636.1), dbSNP rs2538639034, ClinGen allele CA923726186.
Genomic context (GRCh38, chr6:157,198,822, plus strand): 5'-TGCCTGAAGCTTTTTCTCAGTTAAGTTTTCTTTGAATGCCTCATTCCAGGCATGAACCTT[AT>A]GGGCAGCAGTATCCAGGCCAAGGCCCTCCCTCGGGACAGCCGCCGTATGGAGGGCACCAG-3'

ClinVar aggregate classification (germline): Pathogenic (1 of 4 stars; one submission).

Conditions:
Coffin-Siris syndrome 1 (CSS1). Also called: ARID1B-Related Coffin-Siris Syndrome; Mental retardation, autosomal dominant 12. Identifiers: Orphanet 1465, MedGen C3281201, MONDO:0007617, OMIM 135900. Disease mechanism: gain of function.

Submission:

Victorian Clinical Genetics Services, Murdoch Childrens Research Institute
Classification: Pathogenic for Coffin-Siris syndrome 1. Last evaluated: 2020-05-21. Review status: criteria provided, single submitter. Criteria: ACMG Guidelines, 2015. Collection method: clinical testing. Allele origin: germline. Inheritance: Autosomal dominant inheritance. Affected: yes.
Comment: A heterozygous deletion variant was identified, NM_020732.3(ARID1B):c.4026del in exon 17 of 20 of the ARID1B gene. This nonsense variant is predicted to create a change of a tyrosine to a stop at amino acid position 1342 of the protein; NP_065783.3(ARID1B):p.(Tyr1342*), resulting in the loss of normal protein function through nonsense-mediated decay (NMD). The variant is not present in the gnomAD population database. The variant has not been previously reported in clinical cases, however, other variants predicted to cause NMD have been reported as pathogenic in individuals with Coffin-Siris syndrome (ClinVar). Based on information available at the time of curation, this variant has been classified as PATHOGENIC.